The following is an entry in ClinVar:

ClinVar aggregate classification (germline): Uncertain significance (1 of 4 stars; one submission).

Conditions:
Infantile-onset ascending hereditary spastic paralysis (IAHSP). Also called: Infantile-Onset Ascending Hereditary Spastic Paralysis (IAHSP); Autosomal Recessive Juvenile Amyotrophic Lateral Sclerosis. Identifiers: Orphanet 293168, MedGen C2931441, MONDO:0011797, OMIM 607225. Disease mechanism: loss of function.

Submission:

Labcorp Genetics (formerly Invitae), Labcorp
Classification: Uncertain significance for Infantile-onset ascending hereditary spastic paralysis. Last evaluated: 2022-04-12. Review status: criteria provided, single submitter. Criteria: Invitae Variant Classification Sherloc (09022015). Collection method: clinical testing. Allele origin: germline.
Comment: In summary, the available evidence is currently insufficient to determine the role of this variant in disease. Therefore, it has been classified as a Variant of Uncertain Significance. Algorithms developed to predict the effect of missense changes on protein structure and function are either unavailable or do not agree on the potential impact of this missense change (SIFT: "Tolerated"; PolyPhen-2: "Possibly Damaging"; Align-GVGD: "Class C0"). This variant has not been reported in the literature in individuals affected with ALS2-related conditions. This variant is not present in population databases (gnomAD no frequency). This sequence change replaces glutamine, which is neutral and polar, with arginine, which is basic and polar, at codon 1637 of the ALS2 protein (p.Gln1637Arg).

NM_020919.4(ALS2):c.4910A>G (p.Gln1637Arg)

Gene: ALS2 (alsin Rho guanine nucleotide exchange factor ALS2; minus strand). Cytogenetic location: 2q33.1.
Variant type: single nucleotide variant.
Coding change: c.4910A>G on transcript NM_020919.4 (MANE Select); coding-DNA position 4910, A replaced by G.
Protein change: p.Gln1637Arg; replaces glutamine 1637 with arginine.
Molecular consequence: missense variant.
Genome position (GRCh38, 1-based): chr2:201,704,147, T>C on the plus strand (A>G on the coding strand, the complement: ALS2 is on the minus strand). VCF-style: chr2-201704147-T-C. GRCh37 (hg19) VCF-style: chr2-202568870-T-C.
Other names: short protein forms Q1637R.
Identifiers: ClinVar variation 1351775 (VCV001351775.8), dbSNP rs1290433006, ClinGen allele CA350320255.